The following is an entry in ClinVar:

NM_007194.4(CHEK2):c.1462-19G>A

Gene: CHEK2 (checkpoint kinase 2; minus strand). Cytogenetic location: 22q12.1.
Variant type: single nucleotide variant.
Coding change: c.1462-19G>A on transcript NM_007194.4 (MANE Select); 19 bases into the intron before coding-DNA position 1462, G replaced by A.
Molecular consequence: intron variant.
Genome position (GRCh38, 1-based): chr22:28,689,234, C>T on the plus strand (G>A on the coding strand, the complement: CHEK2 is on the minus strand). VCF-style: chr22-28689234-C-T. GRCh37 (hg19) VCF-style: chr22-29085222-C-T.
Other names: c.799-19G>A (NM_001437942.1, NM_001257387.3); c.1261-19G>A (NM_001349956.3); c.1375-19G>A (NM_145862.3); c.1468-19G>A (NM_001438295.1); c.1555-19G>A (NM_001438293.1); c.1504-19G>A (NM_001438294.1); c.1591-19G>A (NM_001005735.3).
Identifiers: ClinVar variation 2746566 (VCV002746566.4), dbSNP rs2145751157, ClinGen allele CA2697552619.
Genomic context (GRCh38, chr22:28,689,234, plus strand): 5'-CTCAGACAGAAGATCTTGAAACTTTCTCTTCATGTCTTCATCCTGTGAGGGAATTAAAAA[C>T]ATAAGTAGCTGTGTCTGAAGGATAATAAACTCCTAGAATGACAGGGCTAGCATGCCCCTG-3'

ClinVar aggregate classification (germline): Likely benign. Review status: criteria provided, multiple submitters, no conflicts (2 of 4 stars). 2 submissions from 2 submitters: Likely benign (2). Last evaluated 2024-10-08.

Conditions:
Familial cancer of breast. Also called: hereditary breast carcinoma; Hereditary breast cancer; BREAST CANCER, FAMILIAL. Identifiers: Orphanet 227535, MedGen C0346153, MONDO:0016419, OMIM 114480. Disease mechanism: loss of function.

Submissions (2):

Myriad Genetics, Inc.
Classification: Likely benign for Familial cancer of breast. Last evaluated: 2024-10-08. Review status: criteria provided, single submitter. Criteria: Myriad Autosomal Dominant, Autosomal Recessive and X-Linked Classification Criteria (2023). Collection method: clinical testing. Allele origin: unknown.
Comment: This variant is considered likely benign. This variant is intronic and is not expected to impact mRNA splicing.

Labcorp Genetics (formerly Invitae), Labcorp
Classification: Likely benign for Familial cancer of breast. Last evaluated: 2023-07-25. Review status: criteria provided, single submitter. Criteria: Invitae Variant Classification Sherloc (09022015). Collection method: clinical testing. Allele origin: germline.